The following is an entry in ClinVar:

NM_033305.3(VPS13A):c.3449A>G (p.Asn1150Ser)

Gene: VPS13A (vacuolar protein sorting 13 homolog A; plus strand). Cytogenetic location: 9q21.2.
Variant type: single nucleotide variant.
Coding change: c.3449A>G on transcript NM_033305.3 (MANE Select); coding-DNA position 3449, A replaced by G.
Protein change: p.Asn1150Ser; replaces asparagine 1150 with serine.
Molecular consequence: missense variant.
Genome position (GRCh38, 1-based): chr9:77,293,450, A>G. VCF-style: chr9-77293450-A-G. GRCh37 (hg19) VCF-style: chr9-79908366-A-G.
Other names: c.3332A>G, p.Asn1111Ser (NM_001018037.2); c.3449A>G, p.Asn1150Ser (NM_001018038.3, NM_015186.4); short protein forms N1150S, N1111S.
Identifiers: ClinVar variation 1962084 (VCV001962084.5), dbSNP rs2537885692, ClinGen allele CA373849252.

ClinVar aggregate classification (germline): Uncertain significance (1 of 4 stars; one submission).

Allele frequency attached by ClinVar (database versions not stated): gnomAD exomes below 0.00001.
gnomAD v4.1: 1 of 1,606,278 alleles (0.000062%); highest among the groups gnomAD compares: Non-Finnish European, 0.000085%; no homozygotes.

Submission:

Labcorp Genetics (formerly Invitae), Labcorp
Classification: Uncertain significance. Last evaluated: 2022-04-18. Review status: criteria provided, single submitter. Criteria: Invitae Variant Classification Sherloc (09022015). Collection method: clinical testing. Allele origin: germline.
Comment: This variant is not present in population databases (gnomAD no frequency). This sequence change replaces asparagine, which is neutral and polar, with serine, which is neutral and polar, at codon 1150 of the VPS13A protein (p.Asn1150Ser). This variant has not been reported in the literature in individuals affected with VPS13A-related conditions. In summary, the available evidence is currently insufficient to determine the role of this variant in disease. Therefore, it has been classified as a Variant of Uncertain Significance. Algorithms developed to predict the effect of sequence changes on RNA splicing suggest that this variant may disrupt the consensus splice site. Algorithms developed to predict the effect of missense changes on protein structure and function (SIFT, PolyPhen-2, Align-GVGD) all suggest that this variant is likely to be tolerated.